The following is an entry in ClinVar:

ClinVar aggregate classification (germline): Uncertain significance. Review status: criteria provided, multiple submitters, no conflicts (2 of 4 stars). 4 submissions from 4 submitters: Uncertain significance (4). Last evaluated 2025-10-22.

Conditions:
Inborn genetic diseases. Identifiers: MedGen C0950123, MeSH D030342.
Pyridoxine-dependent epilepsy (EPEO4). Also called: Pyridoxine-Dependent Seizures; PYRIDOXINE DEPENDENCY WITH SEIZURES; EPILEPSY, EARLY-ONSET, 4, VITAMIN B6-DEPENDENT; Pyridoxine-Dependent Epilepsy - ALDH7A1. Identifiers: Orphanet 3006, MedGen C1849508, MONDO:0009945, OMIM 266100. Disease mechanism: loss of function.

Allele frequency attached by ClinVar (database versions not stated): gnomAD exomes 0.00004; TOPMed 0.00002; ExAC 0.00003.
gnomAD v4.1: 9 of 1,609,686 alleles (0.00056%); highest among the groups gnomAD compares: Admixed American, 0.015%; no homozygotes.

Submissions (4):

Labcorp Genetics (formerly Invitae), Labcorp
Classification: Uncertain significance for Pyridoxine-dependent epilepsy. Last evaluated: 2025-10-22. Review status: criteria provided, single submitter. Criteria: Invitae Variant Classification Sherloc (09022015). Collection method: clinical testing. Allele origin: germline.
Comment: This sequence change replaces glutamic acid, which is acidic and polar, with glutamine, which is neutral and polar, at codon 52 of the ALDH7A1 protein (p.Glu52Gln). This variant is present in population databases (rs765562932, gnomAD 0.02%). This variant has not been reported in the literature in individuals affected with ALDH7A1-related conditions. ClinVar contains an entry for this variant (Variation ID: 465324). Invitae Evidence Modeling of protein sequence and biophysical properties (such as structural, functional, and spatial information, amino acid conservation, physicochemical variation, residue mobility, and thermodynamic stability) has been performed for this missense variant. However, the output from this modeling did not meet the statistical confidence thresholds required to predict the impact of this variant on ALDH7A1 protein function. In summary, the available evidence is currently insufficient to determine the role of this variant in disease. Therefore, it has been classified as a Variant of Uncertain Significance.

Genome-Nilou Lab
Classification: Uncertain significance for Pyridoxine-dependent epilepsy. Last evaluated: 2023-04-11. Review status: criteria provided, single submitter. Criteria: ACMG Guidelines, 2015. Collection method: clinical testing. Allele origin: germline. Affected: no.

GeneDx
Classification: Uncertain significance. Last evaluated: 2022-06-30. Review status: criteria provided, single submitter. Criteria: GeneDx Variant Classification Process June 2021. Collection method: clinical testing. Allele origin: germline. Affected: yes.
Comment: In silico analysis supports that this missense variant does not alter protein structure/function; Has not been previously published as pathogenic or benign to our knowledge

Ambry Genetics
Classification: Uncertain significance for Inborn genetic diseases. Last evaluated: 2020-10-06. Review status: criteria provided, single submitter. Criteria: Ambry Variant Classification Scheme 2023. Collection method: clinical testing. Allele origin: germline.
Comment: The c.154G>C (p.E52Q) alteration is located in exon 1 (coding exon 1) of the ALDH7A1 gene. This alteration results from a G to C substitution at nucleotide position 154, causing the glutamic acid (E) at amino acid position 52 to be replaced by a glutamine (Q). Based on data from the Genome Aggregation Database (gnomAD) database, the ALDH7A1 c.154G>C alteration was observed in <0.01% (9/243176) of total alleles studied, with a frequency of 0.03% (9/34050) in the Latino subpopulation. This amino acid position is not well conserved in available vertebrate species. The p.E52Q alteration is predicted to be tolerated by in silico analysis. Based on insufficient or conflicting evidence, the clinical significance of this alteration remains unclear.

NM_001182.5(ALDH7A1):c.154G>C (p.Glu52Gln)

Gene: ALDH7A1 (aldehyde dehydrogenase 7 family member A1; minus strand). Cytogenetic location: 5q23.2.
Variant type: single nucleotide variant.
Coding change: c.154G>C on transcript NM_001182.5 (MANE Select); coding-DNA position 154, G replaced by C.
Protein change: p.Glu52Gln; replaces glutamic acid 52 with glutamine.
Molecular consequence: missense variant.
Genome position (GRCh38, 1-based): chr5:126,595,045, C>G on the plus strand (G>C on the coding strand, the complement: ALDH7A1 is on the minus strand). VCF-style: chr5-126595045-C-G. GRCh37 (hg19) VCF-style: chr5-125930737-C-G.
Other names: c.70G>C, p.Glu24Gln (NM_001201377.2); c.154G>C, p.Glu52Gln (NM_001202404.2); short protein forms E52Q, E24Q.
Identifiers: ClinVar variation 465324 (VCV000465324.14), dbSNP rs765562932, ClinGen allele CA3389912.